The following is an entry in ClinVar:

ClinVar aggregate classification (germline): Conflicting classifications of pathogenicity. Review status: criteria provided, conflicting classifications (1 of 4 stars). 10 submissions from 10 submitters: Uncertain significance (2); Likely benign (3). 5 of the submissions do not count toward it. Last evaluated 2026-03-24.

Conditions:
Ellis-van Creveld syndrome (EVC). Also called: MESOECTODERMAL DYSPLASIA; Chondroectodermal dysplasia. Identifiers: Orphanet 289, MedGen C0013903, MONDO:0009162, OMIM 225500.
EVC-related disorder. Also called: EVC-related condition; EVC-related disorders.
Curry-Hall syndrome (WAD). Also called: WEYERS ACRODENTAL DYSOSTOSIS. Identifiers: Orphanet 952, MedGen C0457013, MONDO:0008673, OMIM 193530.

Allele frequency attached by ClinVar (database versions not stated): gnomAD exomes 0.00018 and 0.00039; ExAC 0.00062; 1000 Genomes Project 0.00100; 1000 Genomes Project 30x 0.00125; gnomAD 0.00151 and 0.00163; TOPMed 0.00191; ESP Exome Variant Server 0.00223.
gnomAD v4.1: 502 of 1,613,142 alleles (0.031%); highest among the groups gnomAD compares: African/African-American, 0.59%; no homozygotes.

Submissions (10):

Women's Health and Genetics/Laboratory Corporation of America, LabCorp
Classification: Likely benign. Last evaluated: 2026-03-24. Review status: criteria provided, single submitter. Criteria: LabCorp Variant Classification Summary - May 2015. Collection method: clinical testing. Allele origin: germline.
Comment: Variant summary: EVC c.1500G>A (p.Met500Ile) results in a conservative amino acid change in the encoded protein sequence. Algorithms developed to predict the effect of missense changes on protein structure and function all suggest that this variant is likely to be tolerated. The variant allele was found at a frequency of 0.00039 in 248410 control chromosomes, predominantly at a frequency of 0.0054 within the African or African-American subpopulation in the gnomAD database. The observed variant frequency within African or African-American control individuals in the gnomAD database exceeds the estimated maximal expected allele frequency for disease-causing variants in EVC. c.1500G>A has been reported in individuals affected with Ellis-van Creveld syndrome as a compound heterozygous genotype (e.g. Zhang_2018) or as an unreported polymorphism (e.g. Sund_2009). These reports do not provide unequivocal conclusions about association of the variant with Ellis-van Creveld syndrome. To our knowledge, no experimental evidence demonstrating an impact on protein function has been reported. The following publications have been ascertained in the context of this evaluation (PMID: 40967557, 19251731, 29068549). ClinVar contains an entry for this variant (Variation ID: 446659). Based on the evidence outlined above, the variant was classified as likely benign.

Labcorp Genetics (formerly Invitae), Labcorp
Classification: Likely benign for Curry-Hall syndrome; Ellis-van Creveld syndrome. Last evaluated: 2026-01-20. Review status: criteria provided, single submitter. Criteria: Invitae Variant Classification Sherloc (09022015). Collection method: clinical testing. Allele origin: germline.

GeneDx
Classification: Uncertain significance. Last evaluated: 2024-12-23. Review status: criteria provided, single submitter. Criteria: GeneDx Variant Classification Process June 2021. Collection method: clinical testing. Allele origin: germline. Affected: yes.
Comment: In silico analysis indicates that this missense variant does not alter protein structure/function; This variant is associated with the following publications: (PMID: 29068549)

Blueprint Genetics
Classification: Likely benign. Last evaluated: 2024-11-12. Review status: criteria provided, single submitter. Criteria: ACMG Guidelines, 2015. Collection method: clinical testing. Allele origin: germline.

Fulgent Genetics
Classification: Uncertain significance for Curry-Hall syndrome; Ellis-van Creveld syndrome. Last evaluated: 2024-04-04. Review status: criteria provided, single submitter. Criteria: ACMG Guidelines, 2015. Collection method: clinical testing. Allele origin: germline.

PreventionGenetics, part of Exact Sciences
Classification: Likely benign for EVC-related condition. Last evaluated: 2022-10-28. Review status: no assertion criteria provided. Collection method: clinical testing. Allele origin: germline. Not counted in ClinVar's aggregate classification.
Comment: This variant is classified as likely benign based on ACMG/AMP sequence variant interpretation guidelines (Richards et al. 2015 PMID: 25741868, with internal and published modifications).

Natera, Inc.
Classification: Likely benign for Ellis-van Creveld syndrome. Last evaluated: 2020-02-17. Review status: no assertion criteria provided. Collection method: clinical testing. Allele origin: germline. Not counted in ClinVar's aggregate classification.

Counsyl
Classification: Uncertain significance for Ellis-van Creveld syndrome. Last evaluated: 2018-04-02. Review status: no assertion criteria provided. Collection method: clinical testing. Allele origin: unknown. Not counted in ClinVar's aggregate classification.

Dan Cohn Lab, University Of California Los Angeles
Classification: Pathogenic for Ellis-van Creveld Syndrome. Last evaluated: 2017-06-01. Review status: no assertion criteria provided. Collection method: research. Allele origin: paternal. Affected: yes. Not counted in ClinVar's aggregate classification.

University of Washington Center for Mendelian Genomics, University of Washington
Classification: Likely pathogenic for Ellis van Creveld syndrome. Review status: no assertion criteria provided. Collection method: research. Allele origin: inherited. Affected: yes. Not counted in ClinVar's aggregate classification.

Literature cited by the submitters: PubMed 29068549 (cited by 4 submitters); PubMed 19251731 (cited by Women's Health and Genetics/Laboratory Corporation of America, LabCorp); PubMed 40967557 (cited by Women's Health and Genetics/Laboratory Corporation of America, LabCorp).

NM_153717.3(EVC):c.1500G>A (p.Met500Ile)

Gene: EVC (EvC ciliary complex subunit 1; plus strand). Cytogenetic location: 4p16.2.
Variant type: single nucleotide variant.
Coding change: c.1500G>A on transcript NM_153717.3 (MANE Select); coding-DNA position 1500, G replaced by A.
Protein change: p.Met500Ile; replaces methionine 500 with isoleucine.
Molecular consequence: missense variant.
Genome position (GRCh38, 1-based): chr4:5,756,299, G>A. VCF-style: chr4-5756299-G-A. GRCh37 (hg19) VCF-style: chr4-5758026-G-A.
Other names: c.1500G>A, p.Met500Ile (NM_001306090.2, NM_001306092.2); short protein forms M500I.
Identifiers: ClinVar variation 446659 (VCV000446659.27), dbSNP rs149898884, ClinGen allele CA2836142.